The following is an entry in ClinVar:

NM_001365480.1(CCDC88A):c.5267C>G (p.Pro1756Arg)

Gene: CCDC88A (coiled-coil and HOOK domain protein 88A; minus strand). Cytogenetic location: 2p16.1.
Variant type: single nucleotide variant.
Coding change: c.5267C>G on transcript NM_001365480.1 (MANE Select); coding-DNA position 5267, C replaced by G.
Protein change: p.Pro1756Arg; replaces proline 1756 with arginine.
Molecular consequence: missense variant. On other transcripts: intron variant (1).
Genome position (GRCh38, 1-based): chr2:55,295,881, G>C on the plus strand (C>G on the coding strand, the complement: CCDC88A is on the minus strand). VCF-style: chr2-55295881-G-C. GRCh37 (hg19) VCF-style: chr2-55523017-G-C.
Other names: c.5264C>G, p.Pro1755Arg (NM_001135597.2); c.5183C>G, p.Pro1728Arg (NM_018084.5); c.5195+69C>G (NM_001254943.2); short protein forms P1728R, P1755R, P1756R.
Identifiers: ClinVar variation 4725578 (VCV004725578.1).

ClinVar aggregate classification (germline): Uncertain significance (1 of 4 stars; one submission).

gnomAD v4.1: 1 of 1,614,074 alleles (0.000062%); highest among the groups gnomAD compares: Non-Finnish European, 0.000085%; no homozygotes.

Submission:

Labcorp Genetics (formerly Invitae), Labcorp
Classification: Uncertain significance. Last evaluated: 2025-08-18. Review status: criteria provided, single submitter. Criteria: Invitae Variant Classification Sherloc (09022015). Collection method: clinical testing. Allele origin: germline.
Comment: This sequence change replaces proline, which is neutral and non-polar, with arginine, which is basic and polar, at codon 1755 of the CCDC88A protein (p.Pro1755Arg). This variant is not present in population databases (gnomAD no frequency). This variant has not been reported in the literature in individuals affected with CCDC88A-related conditions. An algorithm developed to predict the effect of missense changes on protein structure and function (PolyPhen-2) suggests that this variant is likely to be tolerated. In summary, the available evidence is currently insufficient to determine the role of this variant in disease. Therefore, it has been classified as a Variant of Uncertain Significance.